The following is an entry in ClinVar:

ClinVar aggregate classification (germline): Uncertain significance. Review status: criteria provided, multiple submitters, no conflicts (2 of 4 stars). 6 submissions from 6 submitters: Uncertain significance (6). Last evaluated 2024-11-22.

Conditions:
Hereditary pheochromocytoma and paraganglioma. Also called: Hereditary Paraganglioma-Pheochromocytoma Syndromes; Hereditary paragangliomas and pheochromocytomas; Hereditary pheochromocytoma-paraganglioma. Identifiers: Orphanet 29072, MedGen C4274332, MONDO:0017366.
Pheochromocytoma. Also called: MAX-Related Hereditary Paraganglioma-Pheochromocytoma Syndrome. Identifiers: Orphanet 29072, MedGen C0031511, MONDO:0008233, OMIM 171300, HP:0002666.
Polydactyly-macrocephaly syndrome (PDMCS). Identifiers: MedGen C5882754, MONDO:0958227, OMIM 620712.
Hereditary cancer-predisposing syndrome. Also called: Neoplastic Syndromes, Hereditary; Hereditary Cancer Syndrome; Tumor predisposition; Hereditary neoplastic syndrome. Identifiers: Orphanet 140162, MedGen C0027672, MeSH D009386, MONDO:0015356.

Allele frequency attached by ClinVar (database versions not stated): ExAC 0.00001; gnomAD exomes 0.00001 and 0.00003; TOPMed 0.00001.
gnomAD v4.1: 39 of 1,614,046 alleles (0.0024%); highest among the groups gnomAD compares: Non-Finnish European, 0.003%; no homozygotes.

Submissions (6):

GeneDx
Classification: Uncertain significance. Last evaluated: 2024-11-22. Review status: criteria provided, single submitter. Criteria: GeneDx Variant Classification Process June 2021. Collection method: clinical testing. Allele origin: germline. Affected: yes.
Comment: Not observed at significant frequency in large population cohorts (gnomAD); In silico analysis supports that this missense variant has a deleterious effect on protein structure/function; Has not been previously published as pathogenic or benign to our knowledge

Fulgent Genetics
Classification: Uncertain significance for Pheochromocytoma; Polydactyly-macrocephaly syndrome. Last evaluated: 2024-05-03. Review status: criteria provided, single submitter. Criteria: ACMG Guidelines, 2015. Collection method: clinical testing. Allele origin: germline.

Labcorp Genetics (formerly Invitae), Labcorp
Classification: Uncertain significance for Hereditary pheochromocytoma and paraganglioma. Last evaluated: 2024-04-25. Review status: criteria provided, single submitter. Criteria: Invitae Variant Classification Sherloc (09022015). Collection method: clinical testing. Allele origin: germline.
Comment: This sequence change replaces glycine, which is neutral and non-polar, with aspartic acid, which is acidic and polar, at codon 137 of the MAX protein (p.Gly137Asp). This variant is present in population databases (rs771696396, gnomAD 0.003%). This variant has not been reported in the literature in individuals affected with MAX-related conditions. ClinVar contains an entry for this variant (Variation ID: 570366). Advanced modeling performed at Invitae incorporating data from internal and/or published experimental studies (Invitae) indicates that this missense variant is not expected to disrupt MAX function with a negative predictive value of 95%. In summary, the available evidence is currently insufficient to determine the role of this variant in disease. Therefore, it has been classified as a Variant of Uncertain Significance.

Ambry Genetics
Classification: Uncertain significance for Hereditary cancer-predisposing syndrome. Last evaluated: 2024-04-17. Review status: criteria provided, single submitter. Criteria: Ambry Variant Classification Scheme 2023. Collection method: clinical testing. Allele origin: germline.
Comment: The p.G137D variant (also known as c.410G>A), located in coding exon 5 of the MAX gene, results from a G to A substitution at nucleotide position 410. The glycine at codon 137 is replaced by aspartic acid, an amino acid with similar properties. This amino acid position is highly conserved in available vertebrate species. In addition, this alteration is predicted to be tolerated by in silico analysis. Based on the available evidence, the clinical significance of this variant remains unclear.

Baylor Genetics
Classification: Uncertain significance for Pheochromocytoma. Last evaluated: 2023-05-12. Review status: criteria provided, single submitter. Criteria: ACMG Guidelines, 2015. Collection method: clinical testing. Allele origin: unknown.

Genetic Services Laboratory, University of Chicago
Classification: Uncertain significance. Last evaluated: 2020-04-27. Review status: criteria provided, single submitter. Criteria: ACMG Guidelines, 2015. Collection method: clinical testing. Allele origin: germline. Affected: no.
Comment: DNA sequence analysis of the MAX gene demonstrated a sequence change, c.410G>A, in exon 5 that results in an amino acid change, p.Gly137Asp. This sequence change does not appear to have been previously described in patients with MAX-related disorders and has been described in the gnomAD database in 2 individuals (dbSNP rs771696396). The p.Gly137Asp change affects a highly conserved amino acid residue located in a domain of the MAX protein that is not known to be functional. In-silico pathogenicity prediction tools (SIFT, PolyPhen2, Align GVGD, REVEL) provide contradictory results for the p.Gly137Asp substitution. Due to these contrasting evidences and the lack of functional studies, the clinical significance of the p.Gly137Asp change remains unknown at this time.

NM_002382.5(MAX):c.410G>A (p.Gly137Asp)

Gene: MAX (MYC associated transcriptional regulator X; minus strand). Cytogenetic location: 14q23.3.
Variant type: single nucleotide variant.
Coding change: c.410G>A on transcript NM_002382.5 (MANE Select); coding-DNA position 410, G replaced by A.
Protein change: p.Gly137Asp; replaces glycine 137 with aspartic acid.
Molecular consequence: missense variant. On other transcripts: intron variant (2), 3 prime UTR variant (1).
Genome position (GRCh38, 1-based): chr14:65,076,549, C>T on the plus strand (G>A on the coding strand, the complement: MAX is on the minus strand). VCF-style: chr14-65076549-C-T. GRCh37 (hg19) VCF-style: chr14-65543267-C-T.
Other names: c.144+17159G>A (NM_001271069.2); c.171+17159G>A (NM_197957.4); c.221G>A, p.Gly74Asp (NM_001320415.2, NM_001407105.1, NM_001407106.1 and 1 more transcripts); c.410G>A, p.Gly137Asp (NM_001407094.1); c.383G>A, p.Gly128Asp (NM_001407095.1, NM_145112.3); c.*183G>A (NM_001407096.1, NM_001407099.1, NM_001407102.1 and 2 more transcripts); c.*199G>A (NM_001407097.1, NM_001407100.1, NM_001407101.1 and 4 more transcripts); c.302G>A, p.Gly101Asp (NM_001407098.1); and 1 more; short protein forms G137D, G128D, G74D, G101D, G70D.
Identifiers: ClinVar variation 570366 (VCV000570366.21), dbSNP rs771696396, ClinGen allele CA7232793.
Genomic context (GRCh38, chr14:65,076,549, plus strand): 5'-ATCCGGAGCTTCTTCCTGCTTTGGGGCTCTTCAGGCTCAGACTCCGAGCTGGAGTCCGAG[C>T]CCCCATCGAAGGCAGAGATGGTGCTGCCCTTGGCGTTGGTGTAGAGGCTGTTGTCTGAGG-3'
Protein context (NP_002373.3, residues 127-147): KGSTISAFDG[Gly137Asp]SDSSSESEPE